The following is an entry in ClinVar:

ClinVar aggregate classification (germline): Conflicting classifications of pathogenicity. Review status: criteria provided, conflicting classifications (1 of 4 stars). 5 submissions from 5 submitters: Uncertain significance (3); Benign (1); Likely benign (1). Last evaluated 2025-12-21.

Conditions:
Upshaw-Schulman syndrome (TTP). Also called: THROMBOTIC THROMBOCYTOPENIC PURPURA, HEREDITARY; Congenital thrombotic thrombocytopenic purpura. Identifiers: Orphanet 93583, MedGen C1268935, MONDO:0010122, OMIM 274150.

Allele frequency attached by ClinVar (database versions not stated): 1000 Genomes Project 0.00040; 1000 Genomes Project 30x 0.00047; TOPMed 0.00107; ESP Exome Variant Server 0.00108.
gnomAD v4.1: 301 of 1,613,340 alleles (0.019%); highest among the groups gnomAD compares: African/African-American, 0.28%; 1 homozygote.

Submissions (5):

Labcorp Genetics (formerly Invitae), Labcorp
Classification: Benign. Last evaluated: 2025-12-21. Review status: criteria provided, single submitter. Criteria: Invitae Variant Classification Sherloc (09022015). Collection method: clinical testing. Allele origin: germline.

Mayo Clinic Laboratories, Mayo Clinic
Classification: Likely benign. Last evaluated: 2025-05-02. Review status: criteria provided, single submitter. Criteria: ACMG Guidelines, 2015. Collection method: clinical testing. Allele origin: germline. Observed: 12 variant alleles.
Comment: BS1, BP4_moderate

Blueprint Genetics
Classification: Uncertain significance. Last evaluated: 2024-06-05. Review status: criteria provided, single submitter. Criteria: ACMG Guidelines, 2015. Collection method: clinical testing. Allele origin: germline.

Baylor Genetics
Classification: Uncertain significance for Upshaw-Schulman syndrome. Last evaluated: 2018-08-16. Review status: criteria provided, single submitter. Criteria: ACMG Guidelines, 2015. Collection method: clinical testing. Allele origin: paternal. Affected: yes.
Comment: This variant was determined to be of uncertain significance according to ACMG Guidelines, 2015 [PMID:25741868].

Illumina Laboratory Services, Illumina
Classification: Uncertain significance for Upshaw-Schulman syndrome. Last evaluated: 2018-01-13. Review status: criteria provided, single submitter. Criteria: ICSL Variant Classification Criteria 13 December 2019. Collection method: clinical testing. Allele origin: germline.

NM_139027.6(ADAMTS13):c.1156C>T (p.Arg386Cys)

Gene: ADAMTS13 (ADAM metallopeptidase with thrombospondin type 1 motif 13; plus strand). Cytogenetic location: 9q34.2.
Variant type: single nucleotide variant.
Coding change: c.1156C>T on transcript NM_139027.6 (MANE Select); coding-DNA position 1156, C replaced by T.
Protein change: p.Arg386Cys; replaces arginine 386 with cysteine.
Molecular consequence: missense variant.
Genome position (GRCh38, 1-based): chr9:133,433,441, C>T. VCF-style: chr9-133433441-C-T. GRCh37 (hg19) VCF-style: chr9-136298561-C-T.
Other names: p.Arg386Cys; c.1156C>T, p.Arg386Cys (NM_139025.5); c.1063C>T, p.Arg355Cys (NM_139026.6); short protein forms R386C, R355C.
Identifiers: ClinVar variation 914641 (VCV000914641.12), dbSNP rs142214608, ClinGen allele CA200926912.